The following is an entry in ClinVar:

ClinVar aggregate classification (germline): Uncertain significance (1 of 4 stars; one submission).

Conditions:
Hereditary nonpolyposis colorectal neoplasms. Identifiers: MedGen C0009405, MeSH D003123.

Submission:

Labcorp Genetics (formerly Invitae), Labcorp
Classification: Uncertain significance for Hereditary nonpolyposis colorectal neoplasms. Last evaluated: 2024-12-26. Review status: criteria provided, single submitter. Criteria: Invitae Variant Classification Sherloc (09022015). Collection method: clinical testing. Allele origin: germline.
Comment: This sequence change replaces lysine, which is basic and polar, with isoleucine, which is neutral and non-polar, at codon 1092 of the MSH6 protein (p.Lys1092Ile). This variant is not present in population databases (gnomAD no frequency). This variant has not been reported in the literature in individuals affected with MSH6-related conditions. Invitae Evidence Modeling of protein sequence and biophysical properties (such as structural, functional, and spatial information, amino acid conservation, physicochemical variation, residue mobility, and thermodynamic stability) indicates that this missense variant is not expected to disrupt MSH6 protein function with a negative predictive value of 95%. In summary, the available evidence is currently insufficient to determine the role of this variant in disease. Therefore, it has been classified as a Variant of Uncertain Significance.

NM_000179.3(MSH6):c.3275A>T (p.Lys1092Ile)

Gene: MSH6 (mutS homolog 6; plus strand). Cytogenetic location: 2p16.3.
Variant type: single nucleotide variant.
Coding change: c.3275A>T on transcript NM_000179.3 (MANE Select); coding-DNA position 3275, A replaced by T.
Protein change: p.Lys1092Ile; replaces lysine 1092 with isoleucine.
Molecular consequence: missense variant. On other transcripts: non-coding transcript variant (5), intron variant (1).
Genome position (GRCh38, 1-based): chr2:47,803,522, A>T. VCF-style: chr2-47803522-A-T. GRCh37 (hg19) VCF-style: chr2-48030661-A-T.
Other names: c.122A>T, p.Lys41Ile (NM_001406832.1); c.1220A>T, p.Lys407Ile (NM_001407362.1); c.2885A>T, p.Lys962Ile (NM_001281492.2); c.2369A>T, p.Lys790Ile (NM_001281493.2, NM_001281494.2, NM_001406823.1 and 6 more transcripts); c.3371A>T, p.Lys1124Ile (NM_001406795.1, NM_001406802.1); c.3275A>T, p.Lys1092Ile (NM_001406796.1, NM_001406800.1, NM_001406808.1 and 1 more transcripts); c.2978A>T, p.Lys993Ile (NM_001406797.1, NM_001406801.1, NM_001406805.1 and 10 more transcripts); c.2750A>T, p.Lys917Ile (NM_001406799.1, NM_001406806.1, NM_001406807.1); and 7 more; short protein forms K1066I, K1036I, K1092I, K1094I, K790I, K19I, K41I, K570I.
Identifiers: ClinVar variation 3633965 (VCV003633965.2).